The following is an entry in ClinVar:

NM_000334.4(SCN4A):c.1135G>A (p.Gly379Arg)

Gene: SCN4A (sodium voltage-gated channel alpha subunit 4; minus strand). Cytogenetic location: 17q23.3.
Variant type: single nucleotide variant.
Coding change: c.1135G>A on transcript NM_000334.4 (MANE Select); coding-DNA position 1135, G replaced by A.
Protein change: p.Gly379Arg; replaces glycine 379 with arginine.
Molecular consequence: missense variant.
Genome position (GRCh38, 1-based): chr17:63,966,209, C>T on the plus strand (G>A on the coding strand, the complement: SCN4A is on the minus strand). VCF-style: chr17-63966209-C-T. GRCh37 (hg19) VCF-style: chr17-62043569-C-T.
Other names: short protein forms G379R.
Identifiers: ClinVar variation 1488540 (VCV001488540.11), dbSNP rs201429528, ClinGen allele CA8709913.

ClinVar aggregate classification (germline): Uncertain significance. Review status: criteria provided, multiple submitters, no conflicts (2 of 4 stars). 3 submissions from 3 submitters: Uncertain significance (3). Last evaluated 2025-08-31.

Conditions:
Paramyotonia congenita of Von Eulenburg. Also called: PARALYSIS PERIODICA PARAMYOTONICA; Paramyotonia Congenita; Eulenburg disease; Myotonia congenita intermittens; Von Eulenburg paramyotonia congenita. Identifiers: Orphanet 684, MedGen C0221055, MONDO:0008195, OMIM 168300. Disease mechanism: loss of function.
Congenital myopathy 22A, classic (CMYO22A). Identifiers: MedGen C5830453, MONDO:0957247, OMIM 620351.
Congenital myopathy 22B, severe fetal (CMYO22B). Identifiers: MedGen C5830501, MONDO:0957265, OMIM 620369.
Hypokalemic periodic paralysis, type 2 (HOKPP2). Identifiers: Orphanet 681, MedGen C2750061, MONDO:0013234, OMIM 613345.
Potassium-aggravated myotonia. Also called: MYOTONIA CONGENITA, ACETAZOLAMIDE-RESPONSIVE; MYOTONIA CONGENITA, ATYPICAL; SODIUM CHANNEL MUSCLE DISEASE; Myotonia congenita, atypical, acetazolamide-responsive. Identifiers: Orphanet 612, Orphanet 99734, Orphanet 99735, Orphanet 99736, MedGen C2931826, MONDO:0018959, OMIM 608390.
Congenital myasthenic syndrome 16. Identifiers: Orphanet 590, MedGen C3280112, MONDO:0013620, OMIM 614198.
Hyperkalemic periodic paralysis. Also called: Familial hyperkalemic periodic paralysis; Gamstorp disease. Identifiers: Orphanet 682, MedGen C0238357, MONDO:0008224, OMIM 170500, HP:0007215.

Allele frequency attached by ClinVar (database versions not stated): gnomAD exomes 0.00001 and 0.00003; gnomAD 0.00003 and 0.00004; TOPMed 0.00003; ExAC 0.00002.

Submissions (3):

Labcorp Genetics (formerly Invitae), Labcorp
Classification: Uncertain significance for Hyperkalemic periodic paralysis. Last evaluated: 2025-08-31. Review status: criteria provided, single submitter. Criteria: Invitae Variant Classification Sherloc (09022015). Collection method: clinical testing. Allele origin: germline.
Comment: This sequence change replaces glycine, which is neutral and non-polar, with arginine, which is basic and polar, at codon 379 of the SCN4A protein (p.Gly379Arg). The frequency data for this variant in the population databases is considered unreliable, as metrics indicate poor data quality at this position in the gnomAD database. This variant has not been reported in the literature in individuals affected with SCN4A-related conditions. ClinVar contains an entry for this variant (Variation ID: 1488540). Invitae Evidence Modeling of protein sequence and biophysical properties (such as structural, functional, and spatial information, amino acid conservation, physicochemical variation, residue mobility, and thermodynamic stability) indicates that this missense variant is expected to disrupt SCN4A protein function with a positive predictive value of 95%. In summary, the available evidence is currently insufficient to determine the role of this variant in disease. Therefore, it has been classified as a Variant of Uncertain Significance.

GeneDx
Classification: Uncertain significance. Last evaluated: 2025-08-14. Review status: criteria provided, single submitter. Criteria: GeneDx Variant Classification Process June 2021. Collection method: clinical testing. Allele origin: germline. Affected: yes.
Comment: Not observed at significant frequency in large population cohorts (gnomAD); In silico analysis supports that this missense variant has a deleterious effect on protein structure/function; Has not been previously published as pathogenic or benign to our knowledge

Juno Genomics, Hangzhou Juno Genomics, Inc
Classification: Uncertain significance for Congenital myopathy 22A, classic; Congenital myopathy 22B, severe fetal; Hyperkalemic periodic paralysis; Hypokalemic periodic paralysis, type 2; Congenital myasthenic syndrome 16; Potassium-aggravated myotonia; Paramyotonia congenita of Von Eulenburg. Review status: criteria provided, single submitter. Criteria: ACMG Guidelines, 2015. Collection method: clinical testing. Allele origin: germline.
Comment: Absent from controls (or at extremely low frequency if recessive) in Genome Aggregation Database.;Multiple lines of computational evidence support a deleterious effect on the gene or gene product.